The following is an entry in ClinVar:

NM_000548.5(TSC2):c.3002G>A (p.Gly1001Glu)

Gene: TSC2 (TSC complex subunit 2; plus strand). Cytogenetic location: 16p13.3.
Variant type: single nucleotide variant.
Coding change: c.3002G>A on transcript NM_000548.5 (MANE Select); coding-DNA position 3002, G replaced by A.
Protein change: p.Gly1001Glu; replaces glycine 1001 with glutamic acid.
Molecular consequence: missense variant.
Genome position (GRCh38, 1-based): chr16:2,079,067, G>A. VCF-style: chr16-2079067-G-A. GRCh37 (hg19) VCF-style: chr16-2129068-G-A.
Other names: c.2870G>A, p.Gly957Glu (NM_001077183.3, NM_001370404.1); c.3002G>A, p.Gly1001Glu (NM_001114382.3); c.2762G>A, p.Gly921Glu (NM_001318827.2); c.2726G>A, p.Gly909Glu (NM_001318829.2); c.2270G>A, p.Gly757Glu (NM_001318831.2); c.2903G>A, p.Gly968Glu (NM_001318832.2); c.2873G>A, p.Gly958Glu (NM_001363528.2, NM_001370405.1, NM_021055.3); c.3002G>A (NM_000548.4); short protein forms G1001E, G909E, G957E, G958E, G757E, G921E, G968E.
Identifiers: ClinVar variation 229369 (VCV000229369.24), dbSNP rs368878445, ClinGen allele CA043736.
Genomic context (GRCh38, chr16:2,079,067, plus strand): 5'-CCCTGGTCACGGCCTCTCCCTCCAGCAGGATACAGACGTCCCTCACCAGTGCCAGCTTGG[G>A]GTCTGCAGATGAGAACTCCGTGGCCCAGGCTGACGATAGCCTGAAAAACCTCCACCTGGA-3'
Protein context (NP_000539.2, residues 991-1011): IQTSLTSASL[Gly1001Glu]SADENSVAQA

ClinVar aggregate classification (germline): Conflicting classifications of pathogenicity. Review status: criteria provided, conflicting classifications (1 of 4 stars). 7 submissions from 7 submitters: Uncertain significance (1); Benign (1); Likely benign (4). 1 of the submissions does not count toward it. Last evaluated 2026-01-19.

Conditions:
Ovarian cancer. Also called: OVARIAN CANCER, SOMATIC. Identifiers: Orphanet 213500, MedGen C1140680, MONDO:0008170, OMIM 167000.
Hereditary cancer-predisposing syndrome. Also called: Hereditary Cancer Syndrome; Neoplastic Syndromes, Hereditary; Tumor predisposition; Hereditary neoplastic syndrome. Identifiers: Orphanet 140162, MedGen C0027672, MeSH D009386, MONDO:0015356.
Tuberous sclerosis syndrome (TSC). Also called: Tuberous sclerosis; Tuberous Sclerosis Complex. Identifiers: Orphanet 805, MedGen C0041341, MONDO:0001734.
Tuberous sclerosis 2 (TSC2). Identifiers: Orphanet 805, MedGen C1860707, MONDO:0013199, OMIM 613254.

Allele frequency attached by ClinVar (database versions not stated): gnomAD exomes 0.00001; TOPMed 0.00002.
gnomAD v4.1: 14 of 1,612,904 alleles (0.00087%); highest among the groups gnomAD compares: East Asian, 0.022%; no homozygotes.

Submissions (7):

Labcorp Genetics (formerly Invitae), Labcorp
Classification: Likely benign for Tuberous sclerosis 2. Last evaluated: 2026-01-19. Review status: criteria provided, single submitter. Criteria: Invitae Variant Classification Sherloc (09022015). Collection method: clinical testing. Allele origin: germline.

Color Diagnostics, LLC DBA Color Health
Classification: Benign for Tuberous sclerosis syndrome. Last evaluated: 2025-08-20. Review status: criteria provided, single submitter. Criteria: ACMG Guidelines, 2015. Collection method: clinical testing. Allele origin: germline.

Myriad Genetics, Inc.
Classification: Likely benign for Tuberous sclerosis 2. Last evaluated: 2024-08-14. Review status: criteria provided, single submitter. Criteria: Myriad Autosomal Dominant, Autosomal Recessive and X-Linked Classification Criteria (2023). Collection method: clinical testing. Allele origin: unknown.
Comment: This variant is considered likely benign. This variant has been observed at a population frequency that is significantly greater than expected given the associated disease prevalence and penetrance.

Genome-Nilou Lab
Classification: Likely benign for Tuberous sclerosis 2. Last evaluated: 2021-11-07. Review status: criteria provided, single submitter. Criteria: ACMG Guidelines, 2015. Collection method: clinical testing. Allele origin: germline. Affected: no.

Ambry Genetics
Classification: Likely benign for Hereditary cancer-predisposing syndrome. Last evaluated: 2021-09-14. Review status: criteria provided, single submitter. Criteria: Ambry Variant Classification Scheme 2023. Collection method: clinical testing. Allele origin: germline.

Laboratory for Molecular Medicine, Mass General Brigham Personalized Medicine
Classification: Uncertain significance. Last evaluated: 2017-01-23. Review status: criteria provided, single submitter. Criteria: LMM Criteria. Collection method: clinical testing. Allele origin: germline. Observed: 1 variant allele.
Comment: proposed classification - variant undergoing re-assessment, contact laboratory

Laboratory of Molecular Epidemiology of Birth Defects, West China Second University Hospital, Sichuan University
Classification: Likely pathogenic for Ovarian cancer. Last evaluated: 2022-01-01. Review status: flagged submission. Criteria: ACMG Guidelines, 2015. Collection method: clinical testing. Allele origin: germline. Affected: yes. Not counted in ClinVar's aggregate classification.
ClinVar note: Reason: Outlier claim with insufficient supporting evidence

Literature cited by the submitters: PubMed 33575217 (cited by Ambry Genetics).